The following is an entry in ClinVar:

NM_001023570.4(IQCB1):c.774A>G (p.Arg258=)

Gene: IQCB1 (IQ motif containing B1; minus strand). Cytogenetic location: 3q13.33.
Variant type: single nucleotide variant.
Coding change: c.774A>G on transcript NM_001023570.4 (MANE Select); coding-DNA position 774, A replaced by G.
Protein change: p.Arg258=; no amino-acid change (arginine 258 retained).
Molecular consequence: synonymous variant. On other transcripts: non-coding transcript variant (1), intron variant (1).
Genome position (GRCh38, 1-based): chr3:121,797,220, T>C on the plus strand (A>G on the coding strand, the complement: IQCB1 is on the minus strand). VCF-style: chr3-121797220-T-C. GRCh37 (hg19) VCF-style: chr3-121516067-T-C.
Other names: c.774A>G, p.Arg258= (NM_001319107.2); c.588-7005A>G (NM_001023571.4).
Identifiers: ClinVar variation 4986200 (VCV004986200.1).
Genomic context (GRCh38, chr3:121,797,220, plus strand): 5'-AACAAGCTGTCTAAGTTCTTGACTGAATTCAGTCCCAGTTTCCTGTTTACTTAGTAGACG[T>C]CTGAGTCCTGAAATGGAATAGCAAAAGGTACAACTATTATTATAATAATAAAATATGATT-3'
Protein context (NP_001018864.2, residues 248-268): LRQSTCYKGL[Arg258=]RLLSKQETGT

ClinVar aggregate classification (germline): Likely benign (1 of 4 stars; one submission).

Conditions:
IQCB1-related disorder. Also called: IQCB1-related condition.

gnomAD v4.1: 3 of 1,547,216 alleles (0.00019%); highest among the groups gnomAD compares: Admixed American, 0.0033%; no homozygotes.

Submission:

PreventionGenetics, part of Exact Sciences
Classification: Likely benign for IQCB1-related condition. Last evaluated: 2025-10-25. Review status: criteria provided, single submitter. Criteria: ACMG Guidelines, 2015. Collection method: clinical testing. Allele origin: germline.
Comment: This variant is classified as likely benign based on ACMG/AMP sequence variant interpretation guidelines (Richards et al. 2015 PMID: 25741868, with internal and published modifications).